The following is an entry in ClinVar:

ClinVar aggregate classification (germline): Conflicting classifications of pathogenicity. Review status: criteria provided, conflicting classifications (1 of 4 stars). 7 submissions from 6 submitters: Uncertain significance (2); Benign (2); Likely benign (3). Last evaluated 2026-06-01.

Conditions:
Retinitis pigmentosa (RP). Identifiers: Orphanet 791, MedGen C0035334, MeSH D012174, MONDO:0019200, OMIM 268000. Inheritance: Autosomal dominant, autosomal recessive and X linked inheritance.
Cone-rod dystrophy 10 (CORD10). Identifiers: Orphanet 1872, MedGen C1846529, MONDO:0012464, OMIM 610283.

Allele frequency attached by ClinVar (database versions not stated): 1000 Genomes Project 30x 0.00016; 1000 Genomes Project 0.00020; ESP Exome Variant Server 0.00038; gnomAD 0.00038; TOPMed 0.00048.
gnomAD v4.1: 550 of 1,604,252 alleles (0.034%); highest among the groups gnomAD compares: Admixed American, 0.28%; 3 homozygotes.

Submissions (7):

CeGaT Center for Human Genetics Tuebingen
Classification: Likely benign. Last evaluated: 2026-06-01. Review status: criteria provided, single submitter. Criteria: CeGaT Center For Human Genetics Tuebingen Variant Classification Criteria Version 2. Collection method: clinical testing. Allele origin: germline. Affected: yes. Observed: 1 variant allele.
Comment: SEMA4A: BP4, BP7

Labcorp Genetics (formerly Invitae), Labcorp
Classification: Benign. Last evaluated: 2026-01-05. Review status: criteria provided, single submitter. Criteria: Invitae Variant Classification Sherloc (09022015). Collection method: clinical testing. Allele origin: germline.

Blueprint Genetics
Classification: Likely benign. Last evaluated: 2024-10-07. Review status: criteria provided, single submitter. Criteria: ACMG Guidelines, 2015. Collection method: clinical testing. Allele origin: germline.

Illumina Laboratory Services, Illumina
Classification: Uncertain significance for Cone-rod dystrophy 10. Last evaluated: 2018-01-12. Review status: criteria provided, single submitter. Criteria: ICSL Variant Classification Criteria 13 December 2019. Collection method: clinical testing. Allele origin: germline.

Illumina Laboratory Services, Illumina
Classification: Benign for Retinitis pigmentosa. Last evaluated: 2018-01-12. Review status: criteria provided, single submitter. Criteria: ICSL Variant Classification Criteria 13 December 2019. Collection method: clinical testing. Allele origin: germline.
Comment: This variant was observed in the ICSL laboratory as part of a predisposition screen in an ostensibly healthy population. It had not been previously curated by ICSL or reported in the Human Gene Mutation Database (HGMD: prior to June 1st, 2018), and was therefore a candidate for classification through an automated scoring system. Utilizing variant allele frequency, disease prevalence and penetrance estimates, and inheritance mode, an automated score was calculated to assess if this variant is too frequent to cause the disease. Based on the score and internal cut-off values, a variant classified as benign is not then subjected to further curation. The score for this variant resulted in a classification of benign for this disease.

Eurofins Ntd Llc (ga)
Classification: Uncertain significance. Last evaluated: 2014-12-04. Review status: criteria provided, single submitter. Criteria: EGL Classification Definitions 2015. Collection method: clinical testing. Allele origin: germline. Observed: 2 variant alleles, 2 heterozygotes.

PreventionGenetics, part of Exact Sciences
Classification: Likely benign. Review status: criteria provided, single submitter. Criteria: ACMG Guidelines, 2015. Collection method: clinical testing. Allele origin: germline.

NM_022367.4(SEMA4A):c.84G>A (p.Thr28=)

Gene: SEMA4A (semaphorin 4A; plus strand). Cytogenetic location: 1q22.
Variant type: single nucleotide variant.
Coding change: c.84G>A on transcript NM_022367.4 (MANE Select); coding-DNA position 84, G replaced by A.
Protein change: p.Thr28=; no amino-acid change (threonine 28 retained).
Molecular consequence: synonymous variant. On other transcripts: 5 prime UTR variant (1), intron variant (3).
Genome position (GRCh38, 1-based): chr1:156,154,662, G>A. VCF-style: chr1-156154662-G-A. GRCh37 (hg19) VCF-style: chr1-156124453-G-A.
Other names: c.84G>A, p.Thr28= (NM_001193300.2, NM_001193301.2, NM_001370567.1); c.-441G>A (NM_001370571.1); c.-385-1752G>A (NM_001370569.1); c.-158-1752G>A (NM_001370568.1); c.-159+898G>A (NM_001193302.2).
Identifiers: ClinVar variation 195371 (VCV000195371.25), dbSNP rs149711133, ClinGen allele CA241787.